The following is an entry in ClinVar:

ClinVar aggregate classification (germline): Likely benign (1 of 4 stars; one submission).

Conditions:
CLTCL1-related disorder. Also called: CLTCL1-related condition.

gnomAD v4.1: 3 of 1,614,028 alleles (0.00019%); highest among the groups gnomAD compares: Non-Finnish European, 0.00025%; no homozygotes.

Submission:

PreventionGenetics, part of Exact Sciences
Classification: Likely benign for CLTCL1-related condition. Last evaluated: 2026-08-13. Review status: criteria provided, single submitter. Criteria: ACMG Guidelines, 2015. Collection method: clinical testing. Allele origin: germline.
Comment: This variant is classified as likely benign based on ACMG/AMP sequence variant interpretation guidelines (Richards et al. 2015 PMID: 25741868, with internal and published modifications).

NM_007098.4(CLTCL1):c.4122T>C (p.Ala1374=)

Gene: CLTCL1 (clathrin heavy chain like 1; minus strand). Cytogenetic location: 22q11.21.
Variant type: single nucleotide variant.
Coding change: c.4122T>C on transcript NM_007098.4 (MANE Select); coding-DNA position 4122, T replaced by C.
Protein change: p.Ala1374=; no amino-acid change (alanine 1374 retained).
Molecular consequence: synonymous variant.
Genome position (GRCh38, 1-based): chr22:19,196,335, A>G on the plus strand (T>C on the coding strand, the complement: CLTCL1 is on the minus strand). VCF-style: chr22-19196335-A-G. GRCh37 (hg19) VCF-style: chr22-19183846-A-G.
Other names: c.4122T>C, p.Ala1374= (NM_001835.4).
Identifiers: ClinVar variation 4990856 (VCV004990856.1).